The following is an entry in ClinVar:

ClinVar aggregate classification (germline): Uncertain significance. Review status: criteria provided, multiple submitters, no conflicts (2 of 4 stars). 5 submissions from 5 submitters: Uncertain significance (5). Last evaluated 2026-01-27.

Conditions:
Inborn genetic diseases. Identifiers: MedGen C0950123, MeSH D030342.
Autosomal dominant nonsyndromic hearing loss 5. Identifiers: Orphanet 90635, MedGen C1832932, MONDO:0010973, OMIM 600994.

Allele frequency attached by ClinVar (database versions not stated): ExAC 0.00005; gnomAD exomes 0.00005 and 0.00008; ESP Exome Variant Server 0.00008; gnomAD 0.00009 and 0.00010; TOPMed 0.00010.
gnomAD v4.1: 132 of 1,609,890 alleles (0.0082%); highest among the groups gnomAD compares: Non-Finnish European, 0.011%; no homozygotes.

Submissions (5):

Women's Health and Genetics/Laboratory Corporation of America, LabCorp
Classification: Uncertain significance. Last evaluated: 2026-01-27. Review status: criteria provided, single submitter. Criteria: LabCorp Variant Classification Summary - May 2015. Collection method: clinical testing. Allele origin: germline.
Comment: Variant summary: GSDME c.635C>T (p.Pro212Leu) results in a non-conservative amino acid change in the encoded protein sequence. Algorithms developed to predict the effect of missense changes on protein structure and function are either unavailable or do not agree on the potential impact of this missense change. The variant allele was found at a frequency of 5.3e-05 in 282678 control chromosomes. This frequency is not significantly higher than estimated for disease-causing variants in GSDME, allowing no conclusion about variant significance. To our knowledge, no occurrence of c.635C>T in individuals affected with GSDME-related conditions and no experimental evidence demonstrating its impact on protein function have been reported. ClinVar contains an entry for this variant (Variation ID: 911374). Based on the evidence outlined above, the variant was classified as uncertain significance.

Ambry Genetics
Classification: Uncertain significance for Inborn genetic diseases. Last evaluated: 2025-09-10. Review status: criteria provided, single submitter. Criteria: Ambry Variant Classification Scheme 2023. Collection method: clinical testing. Allele origin: germline.

GeneDx
Classification: Uncertain significance. Last evaluated: 2023-01-04. Review status: criteria provided, single submitter. Criteria: GeneDx Variant Classification Process June 2021. Collection method: clinical testing. Allele origin: germline. Affected: yes.
Comment: In silico analysis supports that this missense variant has a deleterious effect on protein structure/function; Has not been previously published as pathogenic or benign in association with GSDME-related hearing loss to our knowledge; This variant is associated with the following publications: (PMID: 26740555)

Fulgent Genetics
Classification: Uncertain significance for Autosomal dominant nonsyndromic hearing loss 5. Last evaluated: 2021-09-23. Review status: criteria provided, single submitter. Criteria: ACMG Guidelines, 2015. Collection method: clinical testing. Allele origin: unknown.

Illumina Laboratory Services, Illumina
Classification: Uncertain significance for Autosomal dominant nonsyndromic hearing loss 5. Last evaluated: 2018-01-13. Review status: criteria provided, single submitter. Criteria: ICSL Variant Classification Criteria 13 December 2019. Collection method: clinical testing. Allele origin: germline.

NM_001127453.2(GSDME):c.635C>T (p.Pro212Leu)

Gene: GSDME (gasdermin E; minus strand). Cytogenetic location: 7p15.3.
Variant type: single nucleotide variant.
Coding change: c.635C>T on transcript NM_001127453.2 (MANE Select); coding-DNA position 635, C replaced by T.
Protein change: p.Pro212Leu; replaces proline 212 with leucine.
Molecular consequence: missense variant.
Genome position (GRCh38, 1-based): chr7:24,717,316, G>A on the plus strand (C>T on the coding strand, the complement: GSDME is on the minus strand). VCF-style: chr7-24717316-G-A. GRCh37 (hg19) VCF-style: chr7-24756935-G-A.
Other names: c.143C>T, p.Pro48Leu (NM_001127454.2); c.635C>T, p.Pro212Leu (NM_004403.3); short protein forms P212L, P48L.
Identifiers: ClinVar variation 911374 (VCV000911374.9), dbSNP rs145754170, ClinGen allele CA4191665.